The following is an entry in ClinVar:

NM_001177693.2(ARHGEF28):c.2274T>A (p.Ser758Arg)

Gene: ARHGEF28 (Rho guanine nucleotide exchange factor 28; plus strand). Cytogenetic location: 5q13.2.
Variant type: single nucleotide variant.
Coding change: c.2274T>A on transcript NM_001177693.2 (MANE Select); coding-DNA position 2274, T replaced by A.
Protein change: p.Ser758Arg; replaces serine 758 with arginine.
Molecular consequence: missense variant.
Genome position (GRCh38, 1-based): chr5:73,867,997, T>A. VCF-style: chr5-73867997-T-A. GRCh37 (hg19) VCF-style: chr5-73163822-T-A.
Other names: c.2274T>A, p.Ser758Arg (NM_001080479.3, NM_001388078.1); c.1335T>A, p.Ser445Arg (NM_001244364.2); c.1980T>A, p.Ser660Arg (NM_001388076.1); short protein forms S445R, S660R, S758R.
Identifiers: ClinVar variation 2634753 (VCV002634753.3), dbSNP rs371276543, ClinGen allele CA3304820.

ClinVar aggregate classification (germline): Uncertain significance. Review status: criteria provided, single submitter (1 of 4 stars). 2 submissions from 2 submitters: Uncertain significance (1). 1 of the submissions does not count toward it. Last evaluated 2024-01-29.

Conditions:
ARHGEF28-related disorder. Also called: ARHGEF28-related condition.

Allele frequency attached by ClinVar (database versions not stated): gnomAD 0.00002; TOPMed 0.00002; ExAC 0.00003; ESP Exome Variant Server 0.00008.
gnomAD v4.1: 71 of 1,613,804 alleles (0.0044%); highest among the groups gnomAD compares: Non-Finnish European, 0.0058%; no homozygotes.

Submissions (2):

Ambry Genetics
Classification: Uncertain significance. Last evaluated: 2024-01-29. Review status: criteria provided, single submitter. Criteria: Ambry Variant Classification Scheme 2023. Collection method: clinical testing. Allele origin: germline.

PreventionGenetics, part of Exact Sciences
Classification: Uncertain significance for ARHGEF28-related condition. Last evaluated: 2024-06-22. Review status: no assertion criteria provided. Collection method: clinical testing. Allele origin: germline. Not counted in ClinVar's aggregate classification.
Comment: The ARHGEF28 c.2274T>A variant is predicted to result in the amino acid substitution p.Ser758Arg. To our knowledge, this variant has not been reported in the literature. This variant is reported in 0.0094% of alleles in individuals of European (non-Finnish) descent in gnomAD. At this time, the clinical significance of this variant is uncertain due to the absence of conclusive functional and genetic evidence.